The following is an entry in ClinVar:

ClinVar aggregate classification (germline): Benign (1 of 4 stars; one submission).

Allele frequency attached by ClinVar (database versions not stated): gnomAD 0.15132 and 0.15166; TOPMed 0.15160; 1000 Genomes Project 30x 0.15584; 1000 Genomes Project 0.15735.
gnomAD v4.1: 23,080 of 151,946 alleles (15%); highest among the groups gnomAD compares: Middle Eastern, 19%; 1,735 homozygotes.

Submission:

GeneDx
Classification: Benign. Last evaluated: 2018-06-18. Review status: criteria provided, single submitter. Criteria: GeneDx Variant Classification (06012015). Collection method: clinical testing. Allele origin: germline. Affected: yes.
Comment: This variant is considered likely benign or benign based on one or more of the following criteria: it is a conservative change, it occurs at a poorly conserved position in the protein, it is predicted to be benign by multiple in silico algorithms, and/or has population frequency not consistent with disease.

NM_000393.5(COL5A2):c.4113+223G>T

Gene: COL5A2 (collagen type V alpha 2 chain; minus strand). Cytogenetic location: 2q32.2.
Variant type: single nucleotide variant.
Coding change: c.4113+223G>T on transcript NM_000393.5 (MANE Select); 223 bases into the intron after coding-DNA position 4113, G replaced by T.
Molecular consequence: intron variant.
Genome position (GRCh38, 1-based): chr2:189,036,393, C>A on the plus strand (G>T on the coding strand, the complement: COL5A2 is on the minus strand). VCF-style: chr2-189036393-C-A. GRCh37 (hg19) VCF-style: chr2-189901119-C-A.
Identifiers: ClinVar variation 670989 (VCV000670989.1), dbSNP rs13393368, ClinGen allele CA62582495.
Genomic context (GRCh38, chr2:189,036,393, plus strand): 5'-TCCATGTCACATACATTAGAGGAACTTACAGTAAAAATAATTACTTTTCTATATTTCATC[C>A]ATGAGAAAATTTTTAATTCAAAATTTATGTTAACTTCACTCATAGCAAAACCTTGTTTAT-3'